The following is an entry in ClinVar:

NM_020975.6(RET):c.626-10T>G

Gene: RET (ret proto-oncogene; plus strand). Cytogenetic location: 10q11.21.
Variant type: single nucleotide variant.
Coding change: c.626-10T>G on transcript NM_020975.6 (MANE Select); 10 bases into the intron before coding-DNA position 626, T replaced by G.
Molecular consequence: intron variant. On other transcripts: 5 prime UTR variant (1).
Genome position (GRCh38, 1-based): chr10:43,104,942, T>G. VCF-style: chr10-43104942-T-G. GRCh37 (hg19) VCF-style: chr10-43600390-T-G.
Other names: c.-147T>G (NM_001355216.2); c.626-10T>G (NM_020630.7, NM_001406743.1, NM_001406744.1 and 6 more transcripts); c.625+2313T>G (NM_001406773.1, NM_001406771.1, NM_001406782.1 and 5 more transcripts); c.497-10T>G (NM_001406764.1, NM_001406762.1, NM_001406761.1 and 2 more transcripts); c.496+2313T>G (NM_001406786.1, NM_001406783.1); c.338-10T>G (NM_001406770.1, NM_001406766.1, NM_001406767.1); c.338-4089T>G (NM_001406778.1, NM_001406775.1, NM_001406776.1 and 1 more transcripts); c.337+4220T>G (NM_001406790.1, NM_001406788.1, NM_001406789.1 and 1 more transcripts); and 2 more.
Identifiers: ClinVar variation 4282092 (VCV004282092.2).

ClinVar aggregate classification (germline): Uncertain significance. Review status: criteria provided, multiple submitters, no conflicts (2 of 4 stars). 2 submissions from 2 submitters: Uncertain significance (2). Last evaluated 2025-04-11.

Submissions (2):

GeneDx
Classification: Uncertain significance. Last evaluated: 2025-04-11. Review status: criteria provided, single submitter. Criteria: GeneDx Variant Classification Process June 2021. Collection method: clinical testing. Allele origin: germline. Affected: yes.
Comment: Not observed at significant frequency in large population cohorts (gnomAD); Has not been previously published as pathogenic or benign to our knowledge; In silico analysis is inconclusive as to whether the variant alters gene splicing. In the absence of RNA/functional studies, the actual effect of this sequence change is unknown.

Blueprint Genetics
Classification: Uncertain significance. Last evaluated: 2022-01-24. Review status: criteria provided, single submitter. Criteria: ACMG Guidelines, 2015. Collection method: clinical testing. Allele origin: germline.